The following is an entry in ClinVar:

ClinVar aggregate classification (germline): Uncertain significance (1 of 4 stars; one submission).

Conditions:
Hereditary cancer-predisposing syndrome. Also called: Neoplastic Syndromes, Hereditary; Tumor predisposition; Hereditary neoplastic syndrome; Hereditary Cancer Syndrome. Identifiers: Orphanet 140162, MedGen C0027672, MeSH D009386, MONDO:0015356.

Submission:

Ambry Genetics
Classification: Uncertain significance for Hereditary cancer-predisposing syndrome. Last evaluated: 2026-09-14. Review status: criteria provided, single submitter. Criteria: Ambry Variant Classification Scheme 2023. Collection method: clinical testing. Allele origin: germline.
Comment: The p.T2858S variant (also known as c.8573C>G), located in coding exon 57 of the ATM gene, results from a C to G substitution at nucleotide position 8573. The threonine at codon 2858 is replaced by serine, an amino acid with similar properties. In an assay testing ATM function, this variant showed a functionally abnormal result (Lee KS et al. Cell, 2025 Sep;188:5081-5099.e27). This amino acid position is highly conserved in available vertebrate species. In addition, the in silico prediction for this alteration is inconclusive. Based on the available evidence, the clinical significance of this variant remains unclear.

Literature cited by the submitters: PubMed 40580951.

NM_000051.4(ATM):c.8573C>G (p.Thr2858Ser)

Genes: ATM (ATM serine/threonine kinase; plus strand), C11orf65 (chromosome 11 open reading frame 65; minus strand). Cytogenetic location: 11q22.3.
Variant type: single nucleotide variant.
Coding change: c.8573C>G on transcript NM_000051.4 (MANE Select); coding-DNA position 8573, C replaced by G.
Protein change: p.Thr2858Ser; replaces threonine 2858 with serine.
Molecular consequence: missense variant. On other transcripts: intron variant (2).
Genome position (GRCh38, 1-based): chr11:108,345,897, C>G. VCF-style: chr11-108345897-C-G. GRCh37 (hg19) VCF-style: chr11-108216624-C-G.
Other names: c.8573C>G, p.Thr2858Ser (NM_001351834.2); c.641-36826G>C (NM_001330368.2); c.695-10605G>C (NM_001351110.2); short protein forms T2858S.
Identifiers: ClinVar variation 5032326 (VCV005032326.1).